The following is an entry in ClinVar:

ClinVar aggregate classification (germline): Uncertain significance (0 of 4 stars; one submission).

Conditions:
IGSF9B-related condition.

gnomAD v4.1: 1 of 1,510,426 alleles (0.000066%); highest among the groups gnomAD compares: South Asian, 0.0013%; no homozygotes.

Submission:

PreventionGenetics, part of Exact Sciences
Classification: Uncertain significance for IGSF9B-related condition. Last evaluated: 2024-05-08. Review status: no assertion criteria provided. Collection method: clinical testing. Allele origin: germline.
Comment: The IGSF9B c.3542C>T variant is predicted to result in the amino acid substitution p.Pro1181Leu. To our knowledge, this variant has not been reported in the literature. This variant is reported in 0.0068% of alleles in individuals of South Asian descent in gnomAD. At this time, the clinical significance of this variant is uncertain due to the absence of conclusive functional and genetic evidence.

NM_001277285.4(IGSF9B):c.3542C>T (p.Pro1181Leu)

Gene: IGSF9B (immunoglobulin superfamily member 9B; minus strand). Cytogenetic location: 11q25.
Variant type: single nucleotide variant.
Coding change: c.3542C>T on transcript NM_001277285.4 (MANE Select); coding-DNA position 3542, C replaced by T.
Protein change: p.Pro1181Leu; replaces proline 1181 with leucine.
Molecular consequence: missense variant.
Genome position (GRCh38, 1-based): chr11:133,920,183, G>A on the plus strand (C>T on the coding strand, the complement: IGSF9B is on the minus strand). VCF-style: chr11-133920183-G-A. GRCh37 (hg19) VCF-style: chr11-133790078-G-A.
Other names: short protein forms P1181L.
Identifiers: ClinVar variation 3358426 (VCV003358426.1).